The following is an entry in ClinVar:

NM_000388.4(CASR):c.1174C>T (p.Arg392Ter)

Gene: CASR (calcium sensing receptor; plus strand). Cytogenetic location: 3q21.1.
Variant type: single nucleotide variant.
Coding change: c.1174C>T on transcript NM_000388.4 (MANE Select); coding-DNA position 1174, C replaced by T.
Protein change: p.Arg392Ter; replaces arginine 392 with a stop codon.
Molecular consequence: nonsense.
Genome position (GRCh38, 1-based): chr3:122,262,209, C>T. VCF-style: chr3-122262209-C-T. GRCh37 (hg19) VCF-style: chr3-121981056-C-T.
Other names: c.1174C>T, p.Arg392Ter (NM_001178065.2); short protein forms R392*.
Identifiers: ClinVar variation 620132 (VCV000620132.11), dbSNP rs1559959758, ClinGen allele CA354152750.

ClinVar aggregate classification (germline): Pathogenic. Review status: criteria provided, multiple submitters, no conflicts (2 of 4 stars). 6 submissions from 6 submitters: Pathogenic (3). 3 of the submissions do not count toward it. Last evaluated 2023-07-17.

Conditions:
CASR-related disorder. Also called: CASR-related condition.
Familial hypocalciuric hypercalcemia (FHH). Also called: Familial benign hypercalcemia. Identifiers: Orphanet 405, MedGen C1809471, MONDO:0018458.
Autosomal dominant hypocalcemia 1 (HYPOC1). Also called: HYPOCALCEMIA, FAMILIAL. Identifiers: MedGen C3715128, MONDO:0011013, OMIM 601198.

Allele frequency attached by ClinVar (database versions not stated): gnomAD exomes below 0.00001.

Submissions (6):

Labcorp Genetics (formerly Invitae), Labcorp
Classification: Pathogenic for Familial hypocalciuric hypercalcemia; Autosomal dominant hypocalcemia 1. Last evaluated: 2023-07-17. Review status: criteria provided, single submitter. Criteria: Invitae Variant Classification Sherloc (09022015). Collection method: clinical testing. Allele origin: germline.
Comment: For these reasons, this variant has been classified as Pathogenic. ClinVar contains an entry for this variant (Variation ID: 620132). This premature translational stop signal has been observed in individual(s) with neonatal severe hyperparathyroidism (PMID: 22422767). This variant is not present in population databases (gnomAD no frequency). This sequence change creates a premature translational stop signal (p.Arg392*) in the CASR gene. It is expected to result in an absent or disrupted protein product. Loss-of-function variants in CASR are known to be pathogenic (PMID: 11807402, 14985373, 22422767).

Blueprint Genetics
Classification: Pathogenic for CASR-related disorders. Last evaluated: 2022-10-11. Review status: criteria provided, single submitter. Criteria: ACMG Guidelines, 2015. Collection method: clinical testing. Allele origin: germline. Affected: yes. Observed: 2 variant alleles.

GeneDx
Classification: Pathogenic. Last evaluated: 2018-06-01. Review status: criteria provided, single submitter. Criteria: GeneDx Variant Classification (06012015). Collection method: clinical testing. Allele origin: germline. Affected: yes.
Comment: The R392X nonsense variant in the CASR gene has been reported previously in association with neonatal severe primary hyperparathyroidism when observed in the homozygous state, however, heterozygous carrier parents were unaffected and had calcium levels within normal limits (Hannan et al., 2012; Ward et al., 2013). The variant is not observed in large population cohorts (Lek et al., 2016). Functional studies show that R392X results in poor localization compared to wildtype and an absence of activity in response to calcium (Ward et al., 2013). This variant is predicted to cause loss of normal protein function either through protein truncation or nonsense-mediated mRNA decay. In summary, we consider this to be a pathogenic variant.

Clinical Genetics DNA and cytogenetics Diagnostics Lab, Erasmus MC, Erasmus Medical Center
Classification: Pathogenic. Review status: no assertion criteria provided. Collection method: clinical testing. Allele origin: germline. Affected: yes. Study: VKGL Data-share Consensus. Not counted in ClinVar's aggregate classification.

Diagnostic Laboratory, Department of Genetics, University Medical Center Groningen
Classification: Pathogenic. Review status: no assertion criteria provided. Collection method: clinical testing. Allele origin: germline. Affected: yes. Study: VKGL Data-share Consensus. Not counted in ClinVar's aggregate classification.

Joint Genome Diagnostic Labs from Nijmegen and Maastricht, Radboudumc and MUMC+
Classification: Pathogenic. Review status: no assertion criteria provided. Collection method: clinical testing. Allele origin: germline. Affected: yes. Study: VKGL Data-share Consensus. Not counted in ClinVar's aggregate classification.

Literature cited by the submitters: PubMed 22422767 (cited by Labcorp Genetics (formerly Invitae), Labcorp); PubMed 11807402 (cited by Labcorp Genetics (formerly Invitae), Labcorp); PubMed 14985373 (cited by Labcorp Genetics (formerly Invitae), Labcorp).